The following is an entry in ClinVar:

ClinVar aggregate classification (germline): Uncertain significance (1 of 4 stars; one submission).

Submission:

GeneDx
Classification: Uncertain significance. Last evaluated: 2024-02-13. Review status: criteria provided, single submitter. Criteria: GeneDx Variant Classification Process June 2021. Collection method: clinical testing. Allele origin: germline.
Comment: Not observed at significant frequency in large population cohorts (gnomAD); In silico analysis supports that this missense variant does not alter protein structure/function; Has not been previously published as pathogenic or benign to our knowledge

NM_015100.4(POGZ):c.2627C>T (p.Pro876Leu)

Gene: POGZ (pogo transposable element derived with ZNF domain; minus strand). Cytogenetic location: 1q21.3.
Variant type: single nucleotide variant.
Coding change: c.2627C>T on transcript NM_015100.4 (MANE Select); coding-DNA position 2627, C replaced by T.
Protein change: p.Pro876Leu; replaces proline 876 with leucine.
Molecular consequence: missense variant.
Genome position (GRCh38, 1-based): chr1:151,406,408, G>A on the plus strand (C>T on the coding strand, the complement: POGZ is on the minus strand). VCF-style: chr1-151406408-G-A. GRCh37 (hg19) VCF-style: chr1-151378884-G-A.
Other names: c.2600C>T, p.Pro867Leu (NM_001194937.2); c.2441C>T, p.Pro814Leu (NM_001194938.2); c.2648C>T, p.Pro883Leu (NM_001410860.1); c.2342C>T, p.Pro781Leu (NM_145796.4); c.2468C>T, p.Pro823Leu (NM_207171.2); short protein forms P781L, P814L, P823L, P867L, P876L, P883L.
Identifiers: ClinVar variation 2503197 (VCV002503197.2), dbSNP rs2529213647, ClinGen allele CA341949882.